The following is an entry in ClinVar:

NM_001282225.2(ADA2):c.660C>A (p.Tyr220Ter)

Gene: ADA2 (adenosine deaminase 2; minus strand). Cytogenetic location: 22q11.1.
Variant type: single nucleotide variant.
Coding change: c.660C>A on transcript NM_001282225.2 (MANE Select); coding-DNA position 660, C replaced by A.
Protein change: p.Tyr220Ter; replaces tyrosine 220 with a stop codon.
Molecular consequence: nonsense.
Genome position (GRCh38, 1-based): chr22:17,203,656, G>T on the plus strand (C>A on the coding strand, the complement: ADA2 is on the minus strand). VCF-style: chr22-17203656-G-T. GRCh37 (hg19) VCF-style: chr22-17684546-G-T.
Other names: c.660C>A, p.Tyr220Ter (NM_001282226.2); c.534C>A, p.Tyr178Ter (NM_001282227.2, NM_001282228.2); c.300C>A, p.Tyr100Ter (NM_001282229.2); short protein forms Y220*, Y178*, Y100*.
Identifiers: ClinVar variation 2889771 (VCV002889771.4), dbSNP rs2231487, ClinGen allele CA10088165.

ClinVar aggregate classification (germline): Pathogenic. Review status: criteria provided, multiple submitters, no conflicts (2 of 4 stars). 2 submissions from 2 submitters: Pathogenic (2). Last evaluated 2024-05-22.

Conditions:
Deficiency of adenosine deaminase 2. Also called: Polyarteritis nodosa, childhoood-onset; Adenosine Deaminase 2 Deficiency; VASCULITIS, AUTOINFLAMMATION, IMMUNODEFICIENCY, AND HEMATOLOGIC DEFECTS SYNDROME. Identifiers: Orphanet 404553, MedGen C3887654, MONDO:0014306, OMIM 615688, MONDO:0100317.
Sneddon syndrome (SNDNS). Also called: LIVEDO RETICULARIS AND CEREBROVASCULAR ACCIDENTS; Idiopathic livedo reticularis with systemic involvement. Identifiers: Orphanet 820, MedGen C0282492, MONDO:0008436, OMIM 182410.

gnomAD v4.1: 2 of 1,613,896 alleles (0.00012%); highest among the groups gnomAD compares: Non-Finnish European, 0.00017%; no homozygotes.

Submissions (2):

Fulgent Genetics
Classification: Pathogenic for Sneddon syndrome; Deficiency of adenosine deaminase 2. Last evaluated: 2024-05-22. Review status: criteria provided, single submitter. Criteria: ACMG Guidelines, 2015. Collection method: clinical testing. Allele origin: germline.

Labcorp Genetics (formerly Invitae), Labcorp
Classification: Pathogenic for Deficiency of adenosine deaminase 2. Last evaluated: 2023-09-01. Review status: criteria provided, single submitter. Criteria: Invitae Variant Classification Sherloc (09022015). Collection method: clinical testing. Allele origin: germline.
Comment: This premature translational stop signal has been observed in individual(s) with DADA2 deficiency (PMID: 28974505). For these reasons, this variant has been classified as Pathogenic. Algorithms developed to predict the effect of sequence changes on RNA splicing suggest that this variant may disrupt the consensus splice site. This variant is present in population databases (rs2231487, gnomAD 0.0009%). This sequence change creates a premature translational stop signal (p.Tyr220*) in the ADA2 gene. It is expected to result in an absent or disrupted protein product. Loss-of-function variants in ADA2 are known to be pathogenic (PMID: 24552284, 24552285).

Literature cited by the submitters: PubMed 28974505 (cited by Labcorp Genetics (formerly Invitae), Labcorp); PubMed 24552284 (cited by Labcorp Genetics (formerly Invitae), Labcorp); PubMed 24552285 (cited by Labcorp Genetics (formerly Invitae), Labcorp).